The following is an entry in ClinVar:

NC_000002.11:g.(?_32288901)_(32323980_?)del

Gene: SPAST (spastin; plus strand). Cytogenetic location: 2p22.3.
Variant type: Deletion.
Identifiers: ClinVar variation 1455585 (VCV001455585.5).

ClinVar aggregate classification (germline): Pathogenic (1 of 4 stars; one submission).

Conditions:
Hereditary spastic paraplegia 4. Also called: Spastic paraplegia 4, autosomal dominant; Spastic Paraplegia 4; Familial spastic paraplegia autosomal dominant 2. Identifiers: Orphanet 100985, MedGen C1866855, MONDO:0008438, OMIM 182601.

Submission:

Labcorp Genetics (formerly Invitae), Labcorp
Classification: Pathogenic for Hereditary spastic paraplegia 4. Last evaluated: 2023-11-05. Review status: criteria provided, single submitter. Criteria: Invitae Variant Classification Sherloc (09022015). Collection method: clinical testing. Allele origin: germline.
Comment: This variant is a gross deletion of the genomic region encompassing exon(s) 1-4 of the SPAST gene, which includes the initiator codon. This deletion extends beyond the assayed region for this gene and therefore may encompass additional genes. It is expected to result in an absent or disrupted protein product. Loss-of-function variants in SPAST are known to be pathogenic (PMID: 20932283). A similar copy number variant has been observed in individual(s) with hereditary spastic paraplegia (PMID: 17035675, 20562464, 24690193). It has also been observed to segregate with disease in related individuals. For these reasons, this variant has been classified as Pathogenic.

Literature cited by the submitters: PubMed 20932283; PubMed 17035675; PubMed 20562464; PubMed 24690193.